The following is an entry in ClinVar:

ClinVar aggregate classification (germline): Conflicting classifications of pathogenicity. Review status: criteria provided, conflicting classifications (1 of 4 stars). 7 submissions from 6 submitters: Uncertain significance (2); Benign (2); Likely benign (2). 1 of the submissions does not count toward it. Last evaluated 2026-01-12.

Conditions:
Mitochondrial complex I deficiency, nuclear type 1. Also called: NADH-COENZYME Q REDUCTASE DEFICIENCY; MITOCHONDRIAL NADH DEHYDROGENASE COMPONENT OF COMPLEX I, DEFICIENCY OF. Identifiers: MedGen C6022305, MONDO:0100224, OMIM 252010.
Leigh syndrome (NULS). Also called: Leigh's necrotizing encephalopathy; Leigh's disease; LEIGH SYNDROME, NUCLEAR; Leigh's syndrome; Leigh Disease; Leigh Syndrome (mtDNA deletion). Identifiers: Orphanet 506, MedGen C2931891, MONDO:0009723, OMIM 256000.

Allele frequency attached by ClinVar (database versions not stated): TOPMed 0.00161; ExAC 0.00163; gnomAD 0.00166 and 0.00172; 1000 Genomes Project 0.00200; ESP Exome Variant Server 0.00200; 1000 Genomes Project 30x 0.00203.
gnomAD v4.1: 3,754 of 1,614,102 alleles (0.23%); highest among the groups gnomAD compares: Non-Finnish European, 0.28%; 10 homozygotes.

Submissions (7):

Labcorp Genetics (formerly Invitae), Labcorp
Classification: Benign. Last evaluated: 2026-01-12. Review status: criteria provided, single submitter. Criteria: Invitae Variant Classification Sherloc (09022015). Collection method: clinical testing. Allele origin: germline.

Women's Health and Genetics/Laboratory Corporation of America, LabCorp
Classification: Likely benign. Last evaluated: 2025-12-11. Review status: criteria provided, single submitter. Criteria: LabCorp Variant Classification Summary - May 2015. Collection method: clinical testing. Allele origin: germline.

Blueprint Genetics
Classification: Likely benign. Last evaluated: 2024-11-25. Review status: criteria provided, single submitter. Criteria: ACMG Guidelines, 2015. Collection method: clinical testing. Allele origin: germline.

Illumina Laboratory Services, Illumina
Classification: Uncertain significance for Leigh syndrome. Last evaluated: 2018-01-13. Review status: criteria provided, single submitter. Criteria: ICSL Variant Classification Criteria 13 December 2019. Collection method: clinical testing. Allele origin: germline.

Illumina Laboratory Services, Illumina
Classification: Uncertain significance for Mitochondrial complex I deficiency, nuclear type 1. Last evaluated: 2018-01-13. Review status: criteria provided, single submitter. Criteria: ICSL Variant Classification Criteria 13 December 2019. Collection method: clinical testing. Allele origin: germline.

GeneDx
Classification: Benign. Last evaluated: 2013-02-04. Review status: criteria provided, single submitter. Criteria: GeneDx Variant Classification (06012015). Collection method: clinical testing. Allele origin: germline. Affected: yes.
Comment: This variant is considered likely benign or benign based on one or more of the following criteria: it is a conservative change, it occurs at a poorly conserved position in the protein, it is predicted to be benign by multiple in silico algorithms, and/or has population frequency not consistent with disease.

Mayo Clinic Laboratories, Mayo Clinic
Classification: Likely benign. Last evaluated: 2016-02-23. Review status: no assertion criteria provided. Collection method: clinical testing. Allele origin: unknown. Not counted in ClinVar's aggregate classification.

NM_004544.4(NDUFA10):c.548-9A>G

Gene: NDUFA10 (NADH:ubiquinone oxidoreductase subunit A10; minus strand). Cytogenetic location: 2q37.3.
Variant type: single nucleotide variant.
Coding change: c.548-9A>G on transcript NM_004544.4 (MANE Select); 9 bases into the intron before coding-DNA position 548, A replaced by G.
Molecular consequence: intron variant.
Genome position (GRCh38, 1-based): chr2:240,014,869, T>C on the plus strand (A>G on the coding strand, the complement: NDUFA10 is on the minus strand). VCF-style: chr2-240014869-T-C. GRCh37 (hg19) VCF-style: chr2-240954286-T-C.
Other names: c.548-9A>G (NM_001322020.2, NM_001322019.2).
Identifiers: ClinVar variation 138436 (VCV000138436.19), dbSNP rs147876332, ClinGen allele CA292420.